The following is an entry in ClinVar:

NM_001042492.3(NF1):c.308G>C (p.Arg103Thr)

Gene: NF1 (neurofibromin 1; plus strand). Cytogenetic location: 17q11.2.
Variant type: single nucleotide variant.
Coding change: c.308G>C on transcript NM_001042492.3 (MANE Select); coding-DNA position 308, G replaced by C.
Protein change: p.Arg103Thr; replaces arginine 103 with threonine.
Molecular consequence: missense variant.
Genome position (GRCh38, 1-based): chr17:31,163,205, G>C. VCF-style: chr17-31163205-G-C. GRCh37 (hg19) VCF-style: chr17-29490223-G-C.
Other names: c.308G>C, p.Arg103Thr (NM_000267.4, NM_001128147.3); short protein forms R103T.
Identifiers: ClinVar variation 1727446 (VCV001727446.3), dbSNP rs2143670575, ClinGen allele CA398981667.

ClinVar aggregate classification (germline): Uncertain significance. Review status: criteria provided, multiple submitters, no conflicts (2 of 4 stars). 2 submissions from 2 submitters: Uncertain significance (2). Last evaluated 2025-09-08.

Conditions:
Cardiovascular phenotype. Identifiers: MedGen CN230736.
Hereditary cancer-predisposing syndrome. Also called: Neoplastic Syndromes, Hereditary; Tumor predisposition; Hereditary Cancer Syndrome; Hereditary neoplastic syndrome. Identifiers: Orphanet 140162, MedGen C0027672, MeSH D009386, MONDO:0015356.
Neurofibromatosis, type 1 (NF1). Also called: VON RECKLINGHAUSEN DISEASE; NEUROFIBROMATOSIS, TYPE I, SOMATIC; Neurofibromatosis, type I; Peripheral type neurofibromatosis. Identifiers: Orphanet 636, MedGen C0027831, MONDO:0018975, OMIM 162200. Disease mechanism: loss of function.

Submissions (2):

Labcorp Genetics (formerly Invitae), Labcorp
Classification: Uncertain significance for Neurofibromatosis, type 1. Last evaluated: 2025-09-08. Review status: criteria provided, single submitter. Criteria: Invitae Variant Classification Sherloc (09022015). Collection method: clinical testing. Allele origin: germline.
Comment: This sequence change replaces arginine, which is basic and polar, with threonine, which is neutral and polar, at codon 103 of the NF1 protein (p.Arg103Thr). This variant is not present in population databases (gnomAD no frequency). This variant has not been reported in the literature in individuals affected with NF1-related conditions. ClinVar contains an entry for this variant (Variation ID: 1727446). Invitae Evidence Modeling of protein sequence and biophysical properties (such as structural, functional, and spatial information, amino acid conservation, physicochemical variation, residue mobility, and thermodynamic stability) indicates that this missense variant is expected to disrupt NF1 protein function with a positive predictive value of 95%. In summary, the available evidence is currently insufficient to determine the role of this variant in disease. Therefore, it has been classified as a Variant of Uncertain Significance.

Ambry Genetics
Classification: Uncertain significance for Cardiovascular phenotype; Hereditary cancer-predisposing syndrome. Last evaluated: 2021-01-21. Review status: criteria provided, single submitter. Criteria: Ambry Variant Classification Scheme 2023. Collection method: clinical testing. Allele origin: germline.
Comment: The p.R103T variant (also known as c.308G>C), located in coding exon 4 of the NF1 gene, results from a G to C substitution at nucleotide position 308. The arginine at codon 103 is replaced by threonine, an amino acid with similar properties. This amino acid position is highly conserved in available vertebrate species. In addition, this alteration is predicted to be deleterious by in silico analysis. Since supporting evidence is limited at this time, the clinical significance of this alteration remains unclear.